The following is an entry in ClinVar:

ClinVar aggregate classification (germline): Conflicting classifications of pathogenicity. Review status: criteria provided, conflicting classifications (1 of 4 stars). 4 submissions from 4 submitters: Uncertain significance (3); Likely benign (1). Last evaluated 2026-01-05.

Conditions:
Hereditary cancer-predisposing syndrome. Also called: Neoplastic Syndromes, Hereditary; Tumor predisposition; Hereditary neoplastic syndrome; Hereditary Cancer Syndrome. Identifiers: Orphanet 140162, MedGen C0027672, MeSH D009386, MONDO:0015356.
Colorectal cancer, susceptibility to, 12 (CRCS12). Also called: COLORECTAL CANCER, SUSCEPTIBILITY TO, ON CHROMOSOME 12q24. Identifiers: Orphanet 220460, MedGen C3554460, MONDO:0014038, OMIM 615083.
Facial dysmorphism-immunodeficiency-livedo-short stature syndrome. Also called: Facial dysmorphism, immunodeficiency, livedo, and short stature; FILS syndrome. Identifiers: Orphanet 352712, MedGen C3554576, MONDO:0014058, OMIM 615139.
Intrauterine growth retardation, metaphyseal dysplasia, adrenal hypoplasia congenita, genital anomalies, and immunodeficiency. Also called: IMAGEI SYNDROME. Identifiers: MedGen C5193036, MONDO:0032684, OMIM 618336.

Allele frequency attached by ClinVar (database versions not stated): gnomAD exomes below 0.00001.

Submissions (4):

Labcorp Genetics (formerly Invitae), Labcorp
Classification: Uncertain significance. Last evaluated: 2026-01-05. Review status: criteria provided, single submitter. Criteria: Invitae Variant Classification Sherloc (09022015). Collection method: clinical testing. Allele origin: germline.
Comment: This sequence change replaces serine, which is neutral and polar, with phenylalanine, which is neutral and non-polar, at codon 27 of the POLE protein (p.Ser27Phe). This variant is not present in population databases (gnomAD no frequency). This variant has not been reported in the literature in individuals affected with POLE-related conditions. ClinVar contains an entry for this variant (Variation ID: 643653). Invitae Evidence Modeling of protein sequence and biophysical properties (such as structural, functional, and spatial information, amino acid conservation, physicochemical variation, residue mobility, and thermodynamic stability) indicates that this missense variant is not expected to disrupt POLE protein function with a negative predictive value of 80%. In summary, the available evidence is currently insufficient to determine the role of this variant in disease. Therefore, it has been classified as a Variant of Uncertain Significance.

Ambry Genetics
Classification: Likely benign for Hereditary cancer-predisposing syndrome. Last evaluated: 2024-12-09. Review status: criteria provided, single submitter. Criteria: Ambry Variant Classification Scheme 2023. Collection method: clinical testing. Allele origin: germline.

Fulgent Genetics
Classification: Uncertain significance for Colorectal cancer, susceptibility to, 12; Facial dysmorphism-immunodeficiency-livedo-short stature syndrome; Intrauterine growth retardation, metaphyseal dysplasia, adrenal hypoplasia congenita, genital anomalies, and immunodeficiency. Last evaluated: 2024-03-21. Review status: criteria provided, single submitter. Criteria: ACMG Guidelines, 2015. Collection method: clinical testing. Allele origin: germline.

GeneDx
Classification: Uncertain significance. Last evaluated: 2019-12-02. Review status: criteria provided, single submitter. Criteria: GeneDx Variant Classification Process June 2021. Collection method: clinical testing. Allele origin: germline. Affected: yes.
Comment: Not observed in large population cohorts (Lek 2016); In silico analysis, which includes protein predictors and evolutionary conservation, supports that this variant does not alter protein structure/function; Has not been previously published as pathogenic or benign to our knowledge

NM_006231.4(POLE):c.80C>T (p.Ser27Phe)

Gene: POLE (DNA polymerase epsilon, catalytic subunit; minus strand). Cytogenetic location: 12q24.33.
Variant type: single nucleotide variant.
Coding change: c.80C>T on transcript NM_006231.4 (MANE Select); coding-DNA position 80, C replaced by T.
Protein change: p.Ser27Phe; replaces serine 27 with phenylalanine.
Molecular consequence: missense variant.
Genome position (GRCh38, 1-based): chr12:132,681,262, G>A on the plus strand (C>T on the coding strand, the complement: POLE is on the minus strand). VCF-style: chr12-132681262-G-A. GRCh37 (hg19) VCF-style: chr12-133257848-G-A.
Other names: c.80C>T (NM_006231.2); short protein forms S27F.
Identifiers: ClinVar variation 643653 (VCV000643653.13), dbSNP rs1593088347, ClinGen allele CA387370618.
Genomic context (GRCh38, chr12:132,681,262, plus strand): 5'-CGCAAATCCATCTTATCCGTCCACTGACTCCGTTCCAGGCGCTTGAGTGCCGAAACTGAG[G>A]AAGTGGCGCCATCATCCCTGAGTGAAAGAAGGGAACCCCGTGCTTAATTTGTAATGCCAC-3'
Protein context (NP_006222.2, residues 17-37): GEASRDDGAT[Ser27Phe]SVSALKRLER